The following is an entry in ClinVar:

NM_006831.3(CLP1):c.815A>G (p.His272Arg)

Gene: CLP1 (cleavage factor polyribonucleotide kinase subunit 1; plus strand). Cytogenetic location: 11q12.1.
Variant type: single nucleotide variant.
Coding change: c.815A>G on transcript NM_006831.3 (MANE Select); coding-DNA position 815, A replaced by G.
Protein change: p.His272Arg; replaces histidine 272 with arginine.
Molecular consequence: missense variant.
Genome position (GRCh38, 1-based): chr11:57,660,973, A>G. VCF-style: chr11-57660973-A-G. GRCh37 (hg19) VCF-style: chr11-57428445-A-G.
Other names: c.623A>G, p.His208Arg (NM_001142597.2); short protein forms H208R, H272R.
Identifiers: ClinVar variation 2768076 (VCV002768076.3), dbSNP rs2495519978, ClinGen allele CA380699117.

ClinVar aggregate classification (germline): Uncertain significance (1 of 4 stars; one submission).

gnomAD v4.1: 1 of 1,614,210 alleles (0.000062%); highest among the groups gnomAD compares: South Asian, 0.0011%; no homozygotes.

Submission:

Labcorp Genetics (formerly Invitae), Labcorp
Classification: Uncertain significance. Last evaluated: 2023-11-24. Review status: criteria provided, single submitter. Criteria: Invitae Variant Classification Sherloc (09022015). Collection method: clinical testing. Allele origin: germline.
Comment: This sequence change replaces histidine, which is basic and polar, with arginine, which is basic and polar, at codon 272 of the CLP1 protein (p.His272Arg). This variant is not present in population databases (gnomAD no frequency). This variant has not been reported in the literature in individuals affected with CLP1-related conditions. Advanced modeling of protein sequence and biophysical properties (such as structural, functional, and spatial information, amino acid conservation, physicochemical variation, residue mobility, and thermodynamic stability) performed at Invitae indicates that this missense variant is not expected to disrupt CLP1 protein function with a negative predictive value of 80%. In summary, the available evidence is currently insufficient to determine the role of this variant in disease. Therefore, it has been classified as a Variant of Uncertain Significance.